The following is an entry in ClinVar:

NM_000785.4(CYP27B1):c.1057C>T (p.Pro353Ser)

Gene: CYP27B1 (cytochrome P450 family 27 subfamily B member 1; minus strand). Cytogenetic location: 12q14.1.
Variant type: single nucleotide variant.
Coding change: c.1057C>T on transcript NM_000785.4 (MANE Select); coding-DNA position 1057, C replaced by T.
Protein change: p.Pro353Ser; replaces proline 353 with serine.
Molecular consequence: missense variant.
Genome position (GRCh38, 1-based): chr12:57,764,457, G>A on the plus strand (C>T on the coding strand, the complement: CYP27B1 is on the minus strand). VCF-style: chr12-57764457-G-A. GRCh37 (hg19) VCF-style: chr12-58158240-G-A.
Other names: short protein forms P353S.
Identifiers: ClinVar variation 1948585 (VCV001948585.2), dbSNP rs151335249, ClinGen allele CA6658234.

ClinVar aggregate classification (germline): Uncertain significance (1 of 4 stars; one submission).

gnomAD v4.1: 4 of 1,614,220 alleles (0.00025%); highest among the groups gnomAD compares: Admixed American, 0.0033%; no homozygotes.

Submission:

Labcorp Genetics (formerly Invitae), Labcorp
Classification: Uncertain significance. Last evaluated: 2022-07-06. Review status: criteria provided, single submitter. Criteria: Invitae Variant Classification Sherloc (09022015). Collection method: clinical testing. Allele origin: germline.
Comment: This sequence change replaces proline, which is neutral and non-polar, with serine, which is neutral and polar, at codon 353 of the CYP27B1 protein (p.Pro353Ser). This variant is present in population databases (rs151335249, gnomAD 0.006%). This variant has not been reported in the literature in individuals affected with CYP27B1-related conditions. Advanced modeling of protein sequence and biophysical properties (such as structural, functional, and spatial information, amino acid conservation, physicochemical variation, residue mobility, and thermodynamic stability) performed at Invitae indicates that this missense variant is not expected to disrupt CYP27B1 protein function. In summary, the available evidence is currently insufficient to determine the role of this variant in disease. Therefore, it has been classified as a Variant of Uncertain Significance.